The following is an entry in ClinVar:

ClinVar aggregate classification (germline): Uncertain significance (1 of 4 stars; one submission).

Conditions:
Hereditary cancer-predisposing syndrome. Also called: Neoplastic Syndromes, Hereditary; Tumor predisposition; Hereditary Cancer Syndrome; Hereditary neoplastic syndrome. Identifiers: Orphanet 140162, MedGen C0027672, MeSH D009386, MONDO:0015356.

Submission:

Ambry Genetics
Classification: Uncertain significance for Hereditary cancer-predisposing syndrome. Last evaluated: 2025-09-26. Review status: criteria provided, single submitter. Criteria: Ambry Variant Classification Scheme 2023. Collection method: clinical testing. Allele origin: germline.
Comment: The p.R51M variant (also known as c.152G>T), located in coding exon 1 of the ALK gene, results from a G to T substitution at nucleotide position 152. The arginine at codon 51 is replaced by methionine, an amino acid with similar properties. This amino acid position is conserved. In addition, this alteration is predicted to be deleterious by in silico analysis. Based on the available evidence, the clinical significance of this variant remains unclear.

NM_004304.5(ALK):c.152G>T (p.Arg51Met)

Gene: ALK (ALK receptor tyrosine kinase; minus strand). Cytogenetic location: 2p23.1.
Variant type: single nucleotide variant.
Coding change: c.152G>T on transcript NM_004304.5 (MANE Select); coding-DNA position 152, G replaced by T.
Protein change: p.Arg51Met; replaces arginine 51 with methionine.
Molecular consequence: missense variant.
Genome position (GRCh38, 1-based): chr2:29,920,508, C>A on the plus strand (G>T on the coding strand, the complement: ALK is on the minus strand). VCF-style: chr2-29920508-C-A. GRCh37 (hg19) VCF-style: chr2-30143374-C-A.
Other names: short protein forms R51M.
Identifiers: ClinVar variation 4672201 (VCV004672201.1).
Genomic context (GRCh38, chr2:29,920,508, plus strand): 5'-AGGTCCCGGGCGTAGACACGGAAGAGCGAGGGCACCACGAAGTCAACTGCCAGACTCTTC[C>A]TCTGCAGGCGCGAGTAGCTGAGTGGCTCCCGGGGCTGCAGCGGCGGCCCCGCAGCTGGGG-3'
Protein context (NP_004295.2, residues 41-61): REPLSYSRLQ[Arg51Met]KSLAVDFVVP